The following is an entry in ClinVar:

NM_006279.5(ST3GAL3):c.209+9919G>A

Gene: ST3GAL3 (ST3 beta-galactoside alpha-2,3-sialyltransferase 3; plus strand). Cytogenetic location: 1p34.1.
Variant type: single nucleotide variant.
Coding change: c.209+9919G>A on transcript NM_006279.5 (MANE Select); 9919 bases into the intron after coding-DNA position 209, G replaced by A.
Molecular consequence: intron variant. On other transcripts: missense variant (4).
Genome position (GRCh38, 1-based): chr1:43,824,852, G>A. VCF-style: chr1-43824852-G-A. GRCh37 (hg19) VCF-style: chr1-44290524-G-A.
Other names: c.331G>A, p.Glu111Lys (NM_001363573.2, NM_174968.5); c.376G>A, p.Glu126Lys (NM_174963.5); c.283G>A, p.Glu95Lys (NM_174971.5); c.254+9919G>A (NM_001350619.2, NM_174964.4, NM_174965.4); c.206+9919G>A (NM_001270465.3, NM_001270463.3); c.-245+9919G>A (NM_001350621.2); c.209+9919G>A (NM_001350620.2, NM_001270459.2, NM_174966.4 and 2 more transcripts); c.161+9919G>A (NM_001410781.1, NM_174969.4, NM_001270461.3 and 4 more transcripts); short protein forms E111K, E126K, E95K.
Identifiers: ClinVar variation 2638761 (VCV002638761.24), dbSNP rs111385873, ClinGen allele CA814575.

ClinVar aggregate classification (germline): Uncertain significance (1 of 4 stars; one submission).

Allele frequency attached by ClinVar (database versions not stated): gnomAD exomes 0.00001; ExAC 0.00005; gnomAD 0.00005; TOPMed 0.00006; ESP Exome Variant Server 0.00015.
gnomAD v4.1: 16 of 1,039,682 alleles (0.0015%); highest among the groups gnomAD compares: African/African-American, 0.017%; no homozygotes.

Submission:

CeGaT Center for Human Genetics Tuebingen
Classification: Uncertain significance. Last evaluated: 2023-04-01. Review status: criteria provided, single submitter. Criteria: CeGaT Center For Human Genetics Tuebingen Variant Classification Criteria Version 2. Collection method: clinical testing. Allele origin: germline. Affected: yes. Observed: 1 variant allele.
Comment: ST3GAL3: PM2, BP4